The following is an entry in ClinVar:

ClinVar aggregate classification (germline): Pathogenic (1 of 4 stars; one submission).

Submission:

Labcorp Genetics (formerly Invitae), Labcorp
Classification: Pathogenic. Last evaluated: 2023-11-21. Review status: criteria provided, single submitter. Criteria: Invitae Variant Classification Sherloc (09022015). Collection method: clinical testing. Allele origin: germline.
Comment: This variant is a gross deletion of the genomic region encompassing exon(s) 7-8 of the TSPEAR gene. This variant would be expected to be in-frame, preserving the integrity of the reading frame. A similar copy number variant has been observed in individual(s) with TSPEAR-related conditions (Invitae). In at least one individual the data is consistent with being in trans (on the opposite chromosome) from a pathogenic variant. Experimental studies and prediction algorithms are not available or were not evaluated, and the functional significance of this variant is currently unknown. This variant disrupts a region of the TSPEAR protein in which other variant(s) (p.Arg444Trp) have been observed in individuals with TSPEAR-related conditions (PMID: 32112661). This suggests that this is a clinically significant region of the protein, and that variants that disrupt it are likely to be disease-causing. For these reasons, this variant has been classified as Pathogenic.

Literature cited by the submitters: PubMed 32112661.

NC_000021.8:g.(?_45945516)_(45947421_?)del

Gene: TSPEAR (thrombospondin type laminin G domain and EAR repeats; minus strand). Cytogenetic location: 21q22.3.
Variant type: Deletion.
Identifiers: ClinVar variation 2427319 (VCV002427319.3).